The following is an entry in ClinVar:

ClinVar aggregate classification (germline): Benign/Likely benign. Review status: criteria provided, multiple submitters, no conflicts (2 of 4 stars). 3 submissions from 3 submitters: Benign (1); Likely benign (2). Last evaluated 2025-12-27.

Allele frequency attached by ClinVar (database versions not stated): gnomAD exomes 0.00010; gnomAD 0.00013; TOPMed 0.00028; ExAC 0.00035.
gnomAD v4.1: 122 of 1,164,796 alleles (0.01%); highest among the groups gnomAD compares: Admixed American, 0.2%; no homozygotes.

Submissions (3):

Labcorp Genetics (formerly Invitae), Labcorp
Classification: Benign. Last evaluated: 2025-12-27. Review status: criteria provided, single submitter. Criteria: Invitae Variant Classification Sherloc (09022015). Collection method: clinical testing. Allele origin: germline.

CeGaT Center for Human Genetics Tuebingen
Classification: Likely benign. Last evaluated: 2023-04-01. Review status: criteria provided, single submitter. Criteria: CeGaT Center For Human Genetics Tuebingen Variant Classification Criteria Version 2. Collection method: clinical testing. Allele origin: germline. Affected: yes. Observed: 1 variant allele.
Comment: RBM10: BP4, BP7, BS2

Blueprint Genetics
Classification: Likely benign. Last evaluated: 2022-08-15. Review status: criteria provided, single submitter. Criteria: ACMG Guidelines, 2015. Collection method: clinical testing. Allele origin: germline.

NM_005676.5(RBM10):c.1284C>T (p.Ser428=)

Gene: RBM10 (RNA binding motif protein 10; plus strand). Cytogenetic location: Xp11.3.
Variant type: single nucleotide variant.
Coding change: c.1284C>T on transcript NM_005676.5 (MANE Select); coding-DNA position 1284, C replaced by T.
Protein change: p.Ser428=; no amino-acid change (serine 428 retained).
Molecular consequence: synonymous variant.
Genome position (GRCh38, 1-based): chrX:47,181,250, C>T. VCF-style: chrX-47181250-C-T. GRCh37 (hg19) VCF-style: chrX-47040649-C-T.
Other names: c.1053C>T, p.Ser351= (NM_001204466.2); c.1281C>T, p.Ser427= (NM_001204467.2); c.1479C>T, p.Ser493= (NM_001204468.2); c.1050C>T, p.Ser350= (NM_152856.3).
Identifiers: ClinVar variation 2051510 (VCV002051510.29), dbSNP rs782103343, ClinGen allele CA10395248.
Genomic context (GRCh38, chrX:47,181,250, plus strand): 5'-TGAACCCCTCCCACCTGCCCTTCAGGCCTCCCAAGGTGGGGAGGGTACCTGGGCCACCTC[C>T]GAGGAGCCGCCGGTCGACTACAGCTACTACCAACAGGATGAGGGCTATGGCAACAGCCAG-3'
Protein context (NP_005667.2, residues 418-438): SQGGEGTWAT[Ser428=]EEPPVDYSYY